The following is an entry in ClinVar:

ClinVar aggregate classification (germline): Conflicting classifications of pathogenicity. Review status: criteria provided, conflicting classifications (1 of 4 stars). 3 submissions from 3 submitters: Uncertain significance (2); Likely benign (1). Last evaluated 2025-08-24.

Allele frequency attached by ClinVar (database versions not stated): gnomAD 0.00005 and 0.00004; TOPMed 0.00005; ExAC 0.00004; gnomAD exomes 0.00004 and 0.00006.
gnomAD v4.1: 98 of 1,612,802 alleles (0.0061%); highest among the groups gnomAD compares: Middle Eastern, 0.033%; no homozygotes.

Submissions (3):

Labcorp Genetics (formerly Invitae), Labcorp
Classification: Uncertain significance. Last evaluated: 2025-08-24. Review status: criteria provided, single submitter. Criteria: Invitae Variant Classification Sherloc (09022015). Collection method: clinical testing. Allele origin: germline.
Comment: This sequence change replaces arginine, which is basic and polar, with glutamine, which is neutral and polar, at codon 591 of the IL12RB2 protein (p.Arg591Gln). This variant is present in population databases (rs771339755, gnomAD 0.006%). This variant has not been reported in the literature in individuals affected with IL12RB2-related conditions. ClinVar contains an entry for this variant (Variation ID: 1501073). An algorithm developed to predict the effect of missense changes on protein structure and function outputs the following: PolyPhen-2: "Benign". The glutamine amino acid residue is found in multiple mammalian species, which suggests that this missense change does not adversely affect protein function. In summary, the available evidence is currently insufficient to determine the role of this variant in disease. Therefore, it has been classified as a Variant of Uncertain Significance.

Ambry Genetics
Classification: Uncertain significance. Last evaluated: 2025-02-24. Review status: criteria provided, single submitter. Criteria: Ambry Variant Classification Scheme 2023. Collection method: clinical testing. Allele origin: germline.

Blueprint Genetics
Classification: Likely benign. Last evaluated: 2024-03-22. Review status: criteria provided, single submitter. Criteria: ACMG Guidelines, 2015. Collection method: clinical testing. Allele origin: germline.

NM_001374259.2(IL12RB2):c.1772G>A (p.Arg591Gln)

Gene: IL12RB2 (interleukin 12 receptor subunit beta 2; plus strand). Cytogenetic location: 1p31.3.
Variant type: single nucleotide variant.
Coding change: c.1772G>A on transcript NM_001374259.2 (MANE Select); coding-DNA position 1772, G replaced by A.
Protein change: p.Arg591Gln; replaces arginine 591 with glutamine.
Molecular consequence: missense variant. On other transcripts: non-coding transcript variant (2).
Genome position (GRCh38, 1-based): chr1:67,380,040, G>A. VCF-style: chr1-67380040-G-A. GRCh37 (hg19) VCF-style: chr1-67845723-G-A.
Other names: c.1772G>A, p.Arg591Gln (NM_001258214.1, NM_001258216.1, NM_001319233.1 and 1 more transcripts); c.1514G>A, p.Arg505Gln (NM_001258215.1); c.1772G>A (NM_001559.2); short protein forms R505Q, R591Q.
Identifiers: ClinVar variation 1501073 (VCV001501073.8), dbSNP rs771339755, ClinGen allele CA900572.